The following is an entry in ClinVar:

ClinVar aggregate classification (germline): Uncertain significance. Review status: criteria provided, multiple submitters, no conflicts (2 of 4 stars). 2 submissions from 2 submitters: Uncertain significance (2). Last evaluated 2022-07-19.

Conditions:
Leukodystrophy, hypomyelinating, 15. Identifiers: MedGen C4693733, MONDO:0054782, OMIM 617951.

Allele frequency attached by ClinVar (database versions not stated): gnomAD 0.00001; TOPMed 0.00003; ExAC 0.00006; gnomAD exomes 0.00012.
gnomAD v4.1: 38 of 1,610,714 alleles (0.0024%); highest among the groups gnomAD compares: Admixed American, 0.064%; no homozygotes.

Submissions (2):

Labcorp Genetics (formerly Invitae), Labcorp
Classification: Uncertain significance. Last evaluated: 2022-07-19. Review status: criteria provided, single submitter. Criteria: Invitae Variant Classification Sherloc (09022015). Collection method: clinical testing. Allele origin: germline.
Comment: This sequence change falls in intron 29 of the EPRS gene. It does not directly change the encoded amino acid sequence of the EPRS protein. It affects a nucleotide within the consensus splice site. This variant is present in population databases (rs765140380, gnomAD 0.09%). This variant has not been reported in the literature in individuals affected with EPRS-related conditions. ClinVar contains an entry for this variant (Variation ID: 1028246). Variants that disrupt the consensus splice site are a relatively common cause of aberrant splicing (PMID: 17576681, 9536098). Algorithms developed to predict the effect of sequence changes on RNA splicing suggest that this variant may create or strengthen a splice site. In summary, the available evidence is currently insufficient to determine the role of this variant in disease. Therefore, it has been classified as a Variant of Uncertain Significance.

Baylor Genetics
Classification: Uncertain significance for Leukodystrophy, hypomyelinating, 15. Last evaluated: 2019-06-17. Review status: criteria provided, single submitter. Criteria: ACMG Guidelines, 2015. Collection method: clinical testing. Allele origin: unknown. Affected: yes.
Comment: This variant was determined to be of uncertain significance according to ACMG Guidelines, 2015 [PMID:25741868].

Literature cited by the submitters: PubMed 17576681 (cited by Labcorp Genetics (formerly Invitae), Labcorp); PubMed 9536098 (cited by Labcorp Genetics (formerly Invitae), Labcorp).

NM_004446.3(EPRS1):c.4244+3A>C

Gene: EPRS1 (glutamyl-prolyl-tRNA synthetase 1; minus strand). Cytogenetic location: 1q41.
Variant type: single nucleotide variant.
Coding change: c.4244+3A>C on transcript NM_004446.3 (MANE Select); 3 bases into the intron after coding-DNA position 4244, A replaced by C.
Molecular consequence: intron variant.
Genome position (GRCh38, 1-based): chr1:219,973,235, T>G on the plus strand (A>C on the coding strand, the complement: EPRS1 is on the minus strand). VCF-style: chr1-219973235-T-G. GRCh37 (hg19) VCF-style: chr1-220146577-T-G.
Identifiers: ClinVar variation 1028246 (VCV001028246.4), dbSNP rs765140380, ClinGen allele CA1399474.